The following is an entry in ClinVar:

ClinVar aggregate classification (germline): Likely pathogenic. Review status: criteria provided, multiple submitters, no conflicts (2 of 4 stars). 2 submissions from 2 submitters: Likely pathogenic (2). Last evaluated 2026-07-01.

gnomAD v4.1: 19 of 1,550,322 alleles (0.0012%); highest among the groups gnomAD compares: Non-Finnish European, 0.0016%; no homozygotes.

Submissions (2):

CeGaT Center for Human Genetics Tuebingen
Classification: Likely pathogenic. Last evaluated: 2026-07-01. Review status: criteria provided, single submitter. Criteria: CeGaT Center For Human Genetics Tuebingen Variant Classification Criteria Version 2. Collection method: clinical testing. Allele origin: germline. Affected: yes. Observed: 1 variant allele.
Comment: PIGB: PVS1:Strong, PM2

Labcorp Genetics (formerly Invitae), Labcorp
Classification: Likely pathogenic. Last evaluated: 2025-03-19. Review status: criteria provided, single submitter. Criteria: Invitae Variant Classification Sherloc (09022015). Collection method: clinical testing. Allele origin: germline.
Comment: This sequence change affects an acceptor splice site in intron 6 of the PIGB gene. It is expected to disrupt RNA splicing. Variants that disrupt the donor or acceptor splice site typically lead to a loss of protein function (PMID: 16199547), and loss-of-function variants in PIGB are known to be pathogenic (PMID: 31256876, 34400385). This variant is not present in population databases (gnomAD no frequency). This variant has not been reported in the literature in individuals affected with PIGB-related conditions. Algorithms developed to predict the effect of sequence changes on RNA splicing suggest that this variant may disrupt the consensus splice site. In summary, the currently available evidence indicates that the variant is pathogenic, but additional data are needed to prove that conclusively. Therefore, this variant has been classified as Likely Pathogenic.

Literature cited by the submitters: PubMed 16199547 (cited by Labcorp Genetics (formerly Invitae), Labcorp); PubMed 31256876 (cited by Labcorp Genetics (formerly Invitae), Labcorp); PubMed 34400385 (cited by Labcorp Genetics (formerly Invitae), Labcorp).

NM_004855.5(PIGB):c.795-2A>G

Gene: PIGB (phosphatidylinositol glycan anchor biosynthesis class B; plus strand). Cytogenetic location: 15q21.3.
Variant type: single nucleotide variant.
Coding change: c.795-2A>G on transcript NM_004855.5 (MANE Select); the canonical splice acceptor site of the intron before coding-DNA position 795, A replaced by G.
Molecular consequence: splice acceptor variant.
Genome position (GRCh38, 1-based): chr15:55,339,265, A>G. VCF-style: chr15-55339265-A-G. GRCh37 (hg19) VCF-style: chr15-55631463-A-G.
Identifiers: ClinVar variation 3616998 (VCV003616998.4).